The following is an entry in ClinVar:

ClinVar aggregate classification (germline): Conflicting classifications of pathogenicity. Review status: criteria provided, conflicting classifications (1 of 4 stars). 2 submissions from 2 submitters: Pathogenic (1); Uncertain significance (1). Last evaluated 2023-01-10.

Allele frequency attached by ClinVar (database versions not stated): ExAC 0.00001; gnomAD exomes 0.00001.
gnomAD v4.1: 9 of 1,613,002 alleles (0.00056%); highest among the groups gnomAD compares: Admixed American, 0.0083%; no homozygotes.

Submissions (2):

Labcorp Genetics (formerly Invitae), Labcorp
Classification: Pathogenic. Last evaluated: 2023-01-10. Review status: criteria provided, single submitter. Criteria: Invitae Variant Classification Sherloc (09022015). Collection method: clinical testing. Allele origin: germline.
Comment: This sequence change creates a premature translational stop signal (p.Arg246*) in the IMPDH1 gene. It is expected to result in an absent or disrupted protein product. Loss-of-function variants in IMPDH1 are known to be pathogenic (PMID: 14981049, 33090715). This variant is present in population databases (rs754031943, gnomAD 0.009%). This variant has not been reported in the literature in individuals affected with IMPDH1-related conditions. For these reasons, this variant has been classified as Pathogenic.

Blueprint Genetics
Classification: Uncertain significance. Last evaluated: 2019-02-25. Review status: criteria provided, single submitter. Criteria: ACMG Guidelines, 2015. Collection method: clinical testing. Allele origin: germline.

Literature cited by the submitters: PubMed 14981049 (cited by Labcorp Genetics (formerly Invitae), Labcorp); PubMed 33090715 (cited by Labcorp Genetics (formerly Invitae), Labcorp).

NM_000883.4(IMPDH1):c.736C>T (p.Arg246Ter)

Gene: IMPDH1 (inosine monophosphate dehydrogenase 1; minus strand). Cytogenetic location: 7q32.1.
Variant type: single nucleotide variant.
Coding change: c.736C>T on transcript NM_000883.4 (MANE Select); coding-DNA position 736, C replaced by T.
Protein change: p.Arg246Ter; replaces arginine 246 with a stop codon.
Molecular consequence: nonsense.
Genome position (GRCh38, 1-based): chr7:128,400,383, G>A on the plus strand (C>T on the coding strand, the complement: IMPDH1 is on the minus strand). VCF-style: chr7-128400383-G-A. GRCh37 (hg19) VCF-style: chr7-128040437-G-A.
Other names: c.706C>T, p.Arg236Ter (NM_001102605.2); c.481C>T, p.Arg161Ter (NM_001142573.2); c.466C>T, p.Arg156Ter (NM_001142574.2); c.406C>T, p.Arg136Ter (NM_001142575.2); c.637C>T, p.Arg213Ter (NM_001142576.2); c.529C>T, p.Arg177Ter (NM_001304521.2); c.628C>T, p.Arg210Ter (NM_183243.3); short protein forms R177*, R136*, R156*, R236*, R161*, R210*, R246*, R213*.
Identifiers: ClinVar variation 3004430 (VCV003004430.4), dbSNP rs754031943, ClinGen allele CA4471071.